The following is an entry in ClinVar:

NM_000393.5(COL5A2):c.853-89T>C

Gene: COL5A2 (collagen type V alpha 2 chain; minus strand). Cytogenetic location: 2q32.2.
Variant type: single nucleotide variant.
Coding change: c.853-89T>C on transcript NM_000393.5 (MANE Select); 89 bases into the intron before coding-DNA position 853, T replaced by C.
Molecular consequence: intron variant.
Genome position (GRCh38, 1-based): chr2:189,081,132, A>G on the plus strand (T>C on the coding strand, the complement: COL5A2 is on the minus strand). VCF-style: chr2-189081132-A-G. GRCh37 (hg19) VCF-style: chr2-189945858-A-G.
Identifiers: ClinVar variation 676058 (VCV000676058.2), dbSNP rs114280344, ClinGen allele CA62564981.

ClinVar aggregate classification (germline): Likely benign. Review status: criteria provided, multiple submitters, no conflicts (2 of 4 stars). 2 submissions from 2 submitters: Likely benign (2). Last evaluated 2018-06-14.

Allele frequency attached by ClinVar (database versions not stated): gnomAD exomes 0.00077; gnomAD 0.00718 and 0.00786; TOPMed 0.00814; 1000 Genomes Project 0.00899; 1000 Genomes Project 30x 0.00968.
gnomAD v4.1: 1,780 of 1,009,264 alleles (0.18%); highest among the groups gnomAD compares: African/African-American, 2.5%; 21 homozygotes.

Submissions (2):

GeneDx
Classification: Likely benign. Last evaluated: 2018-06-14. Review status: criteria provided, single submitter. Criteria: GeneDx Variant Classification (06012015). Collection method: clinical testing. Allele origin: germline. Affected: yes.
Comment: This variant is considered likely benign or benign based on one or more of the following criteria: it is a conservative change, it occurs at a poorly conserved position in the protein, it is predicted to be benign by multiple in silico algorithms, and/or has population frequency not consistent with disease.

Breakthrough Genomics
Classification: Likely benign. Review status: criteria provided, single submitter. Criteria: ACMG Guidelines, 2015. Collection method: not provided. Allele origin: germline. Inheritance: Autosomal dominant inheritance. Affected: yes.